The following is an entry in ClinVar:

NM_006231.4(POLE):c.3338G>C (p.Trp1113Ser)

Gene: POLE (DNA polymerase epsilon, catalytic subunit; minus strand). Cytogenetic location: 12q24.33.
Variant type: single nucleotide variant.
Coding change: c.3338G>C on transcript NM_006231.4 (MANE Select); coding-DNA position 3338, G replaced by C.
Protein change: p.Trp1113Ser; replaces tryptophan 1113 with serine.
Molecular consequence: missense variant.
Genome position (GRCh38, 1-based): chr12:132,657,908, C>G on the plus strand (G>C on the coding strand, the complement: POLE is on the minus strand). VCF-style: chr12-132657908-C-G. GRCh37 (hg19) VCF-style: chr12-133234494-C-G.
Other names: short protein forms W1113S.
Identifiers: ClinVar variation 569251 (VCV000569251.8), dbSNP rs1461016090, ClinGen allele CA387389662.

ClinVar aggregate classification (germline): Uncertain significance (1 of 4 stars; one submission).

Submission:

Labcorp Genetics (formerly Invitae), Labcorp
Classification: Uncertain significance. Last evaluated: 2018-04-10. Review status: criteria provided, single submitter. Criteria: Invitae Variant Classification Sherloc (09022015). Collection method: clinical testing. Allele origin: germline.
Comment: In summary, the available evidence is currently insufficient to determine the role of this variant in disease. Therefore, it has been classified as a Variant of Uncertain Significance. Algorithms developed to predict the effect of missense changes on protein structure and function (SIFT, PolyPhen-2, Align-GVGD) all suggest that this variant is likely to be disruptive, but these predictions have not been confirmed by published functional studies and their clinical significance is uncertain. This variant has not been reported in the literature in individuals with POLE-related disease. This variant is not present in population databases (ExAC no frequency). This sequence change replaces tryptophan with serine at codon 1113 of the POLE protein (p.Trp1113Ser). The tryptophan residue is highly conserved and there is a large physicochemical difference between tryptophan and serine.